The following is an entry in ClinVar:

NM_182760.4(SUMF1):c.149G>C (p.Cys50Ser)

Genes: SUMF1 (sulfatase modifying factor 1; minus strand), LOC129936056 (ATAC-STARR-seq lymphoblastoid silent region 14016; plus strand). Cytogenetic location: 3p26.1.
Variant type: single nucleotide variant.
Coding change: c.149G>C on transcript NM_182760.4 (MANE Select); coding-DNA position 149, G replaced by C.
Protein change: p.Cys50Ser; replaces cysteine 50 with serine.
Molecular consequence: missense variant.
Genome position (GRCh38, 1-based): chr3:4,467,097, C>G on the plus strand (G>C on the coding strand, the complement: SUMF1 is on the minus strand). VCF-style: chr3-4467097-C-G. GRCh37 (hg19) VCF-style: chr3-4508781-C-G.
Other names: c.149G>C, p.Cys50Ser (NM_001164674.2, NM_001164675.2); c.149G>C (NM_182760.3); short protein forms C50S.
Identifiers: ClinVar variation 1949412 (VCV001949412.3), dbSNP rs907277045, ClinGen allele CA69311562.
Genomic context (GRCh38, chr3:4,467,097, plus strand): 5'-TATCGGTGAGCGGCTGCCGAACTGCCATGGGCGCCAGGCCGCTGGGGCGTGCCGCAGCCG[C>G]AAGAACCCGCAAGGGACCCCGCGCCCGCACCGGTCCCGGCCTCCTGGCTCCCTGCCGCTC-3'
Protein context (NP_877437.2, residues 40-60): GAGAGSLAGS[Cys50Ser]GCGTPQRPGA

ClinVar aggregate classification (germline): Uncertain significance. Review status: criteria provided, multiple submitters, no conflicts (2 of 4 stars). 2 submissions from 2 submitters: Uncertain significance (2). Last evaluated 2023-10-20.

Conditions:
Inborn genetic diseases. Identifiers: MedGen C0950123, MeSH D030342.
Multiple sulfatase deficiency (MSD). Also called: Mucosulfatidosis; Multiple Sulfatase Deficiency Disease; Sulfatidosis, Juvenile, Austin Type. Identifiers: Orphanet 585, MedGen C0268263, MONDO:0010088, OMIM 272200.

Submissions (2):

Ambry Genetics
Classification: Uncertain significance for Inborn genetic diseases. Last evaluated: 2023-10-20. Review status: criteria provided, single submitter. Criteria: Ambry Variant Classification Scheme 2023. Collection method: clinical testing. Allele origin: germline.

Labcorp Genetics (formerly Invitae), Labcorp
Classification: Uncertain significance for Multiple sulfatase deficiency. Last evaluated: 2022-02-03. Review status: criteria provided, single submitter. Criteria: Invitae Variant Classification Sherloc (09022015). Collection method: clinical testing. Allele origin: germline.
Comment: This sequence change replaces cysteine, which is neutral and slightly polar, with serine, which is neutral and polar, at codon 50 of the SUMF1 protein (p.Cys50Ser). This variant is not present in population databases (gnomAD no frequency). This variant has not been reported in the literature in individuals affected with SUMF1-related conditions. Algorithms developed to predict the effect of missense changes on protein structure and function are either unavailable or do not agree on the potential impact of this missense change (SIFT: "Deleterious"; PolyPhen-2: "Possibly Damaging"; Align-GVGD: "Class C0"). In summary, the available evidence is currently insufficient to determine the role of this variant in disease. Therefore, it has been classified as a Variant of Uncertain Significance.